The following is an entry in ClinVar:

NM_032730.5(RTN4IP1):c.1159G>A (p.Ala387Thr)

Gene: RTN4IP1 (reticulon 4 interacting protein 1; minus strand). Cytogenetic location: 6q21.
Variant type: single nucleotide variant.
Coding change: c.1159G>A on transcript NM_032730.5 (MANE Select); coding-DNA position 1159, G replaced by A.
Protein change: p.Ala387Thr; replaces alanine 387 with threonine.
Molecular consequence: missense variant.
Genome position (GRCh38, 1-based): chr6:106,572,028, C>T on the plus strand (G>A on the coding strand, the complement: RTN4IP1 is on the minus strand). VCF-style: chr6-106572028-C-T. GRCh37 (hg19) VCF-style: chr6-107019903-C-T.
Other names: c.859G>A, p.Ala287Thr (NM_001318746.1); c.1159G>A (NM_032730.4); short protein forms A287T, A387T.
Identifiers: ClinVar variation 1941021 (VCV001941021.5), dbSNP rs202157885, ClinGen allele CA3944261.

ClinVar aggregate classification (germline): Conflicting classifications of pathogenicity. Review status: criteria provided, conflicting classifications (1 of 4 stars). 3 submissions from 3 submitters: Uncertain significance (2); Likely benign (1). Last evaluated 2025-03-15.

Conditions:
Inborn genetic diseases. Identifiers: MedGen C0950123, MeSH D030342.

Allele frequency attached by ClinVar (database versions not stated): TOPMed 0.00004; gnomAD 0.00005; ExAC 0.00008; ESP Exome Variant Server 0.00015; 1000 Genomes Project 0.00020; 1000 Genomes Project 30x 0.00031.
gnomAD v4.1: 117 of 1,613,120 alleles (0.0073%); highest among the groups gnomAD compares: South Asian, 0.047%; no homozygotes.

Submissions (3):

Ambry Genetics
Classification: Uncertain significance for Inborn genetic diseases. Last evaluated: 2025-03-15. Review status: criteria provided, single submitter. Criteria: Ambry Variant Classification Scheme 2023. Collection method: clinical testing. Allele origin: germline.

Blueprint Genetics
Classification: Likely benign. Last evaluated: 2024-09-23. Review status: criteria provided, single submitter. Criteria: ACMG Guidelines, 2015. Collection method: clinical testing. Allele origin: germline.

Labcorp Genetics (formerly Invitae), Labcorp
Classification: Uncertain significance. Last evaluated: 2022-10-13. Review status: criteria provided, single submitter. Criteria: Invitae Variant Classification Sherloc (09022015). Collection method: clinical testing. Allele origin: germline.
Comment: This sequence change replaces alanine, which is neutral and non-polar, with threonine, which is neutral and polar, at codon 387 of the RTN4IP1 protein (p.Ala387Thr). This variant is present in population databases (rs202157885, gnomAD 0.08%). In summary, the available evidence is currently insufficient to determine the role of this variant in disease. Therefore, it has been classified as a Variant of Uncertain Significance. Advanced modeling of protein sequence and biophysical properties (such as structural, functional, and spatial information, amino acid conservation, physicochemical variation, residue mobility, and thermodynamic stability) performed at Invitae indicates that this missense variant is not expected to disrupt RTN4IP1 protein function. This variant has not been reported in the literature in individuals affected with RTN4IP1-related conditions.